The following is an entry in ClinVar:

NM_000038.6(APC):c.7625A>G (p.Asn2542Ser)

Gene: APC (APC regulator of Wnt signaling pathway; plus strand). Cytogenetic location: 5q22.2.
Variant type: single nucleotide variant.
Coding change: c.7625A>G on transcript NM_000038.6 (MANE Select); coding-DNA position 7625, A replaced by G.
Protein change: p.Asn2542Ser; replaces asparagine 2542 with serine.
Molecular consequence: missense variant.
Genome position (GRCh38, 1-based): chr5:112,843,219, A>G. VCF-style: chr5-112843219-A-G. GRCh37 (hg19) VCF-style: chr5-112178916-A-G.
Other names: c.7625A>G, p.Asn2542Ser (NM_001127510.3, NM_001354895.2); c.7571A>G, p.Asn2524Ser (NM_001127511.3); c.7679A>G, p.Asn2560Ser (NM_001354896.2); c.7655A>G, p.Asn2552Ser (NM_001354897.2); c.7550A>G, p.Asn2517Ser (NM_001354898.2); c.7541A>G, p.Asn2514Ser (NM_001354899.2); c.7502A>G, p.Asn2501Ser (NM_001354900.2); c.7448A>G, p.Asn2483Ser (NM_001354901.2); and 5 more; short protein forms N2542S, N2524S, N2441S, N2514S, N2501S, N2517S, N2560S, N2259S.
Identifiers: ClinVar variation 135719 (VCV000135719.37), dbSNP rs151163793, ClinGen allele CA013956.

ClinVar aggregate classification (germline): Conflicting classifications of pathogenicity. Review status: criteria provided, conflicting classifications (1 of 4 stars). 12 submissions from 12 submitters: Uncertain significance (2); Benign (1); Likely benign (8). 1 of the submissions does not count toward it. Last evaluated 2026-02-03.

Conditions:
APC-related disorder. Also called: APC-related condition.
Classic or attenuated familial adenomatous polyposis. Identifiers: MedGen CN372698, MONDO:0021057.
Hereditary cancer-predisposing syndrome. Also called: Neoplastic Syndromes, Hereditary; Tumor predisposition; Hereditary Cancer Syndrome; Hereditary neoplastic syndrome. Identifiers: Orphanet 140162, MedGen C0027672, MeSH D009386, MONDO:0015356.
Familial adenomatous polyposis 1 (FAP1). Also called: FAMILIAL ADENOMATOUS POLYPOSIS 1, ATTENUATED; POLYPOSIS, ADENOMATOUS INTESTINAL. Identifiers: MedGen C2713442, MONDO:0021056, OMIM 175100. Disease mechanism: loss of function.

Allele frequency attached by ClinVar (database versions not stated): gnomAD exomes 0.00002 and 0.00005; ExAC 0.00003; ESP Exome Variant Server 0.00008; gnomAD 0.00016 and 0.00017; 1000 Genomes Project 0.00020; TOPMed 0.00020; 1000 Genomes Project 30x 0.00031.
gnomAD v4.1: 57 of 1,613,846 alleles (0.0035%); highest among the groups gnomAD compares: African/African-American, 0.057%; no homozygotes.

Submissions (12):

Labcorp Genetics (formerly Invitae), Labcorp
Classification: Benign for Familial adenomatous polyposis 1. Last evaluated: 2026-02-03. Review status: criteria provided, single submitter. Criteria: Invitae Variant Classification Sherloc (09022015). Collection method: clinical testing. Allele origin: germline.

PreventionGenetics, part of Exact Sciences
Classification: Likely benign for APC-related condition. Last evaluated: 2025-06-21. Review status: criteria provided, single submitter. Criteria: ACMG Guidelines, 2015. Collection method: clinical testing. Allele origin: germline.
Comment: This variant is classified as likely benign based on ACMG/AMP sequence variant interpretation guidelines (Richards et al. 2015 PMID: 25741868, with internal and published modifications).

Women's Health and Genetics/Laboratory Corporation of America, LabCorp
Classification: Likely benign. Last evaluated: 2024-11-04. Review status: criteria provided, single submitter. Criteria: LabCorp Variant Classification Summary - May 2015. Collection method: clinical testing. Allele origin: germline.
Comment: Variant summary: APC c.7625A>G (p.Asn2542Ser) results in a conservative amino acid change located in the basic domain (IPR009232) of the encoded protein sequence. Four of five in-silico tools predict a benign effect of the variant on protein function. The variant allele was found at a frequency of 4.8e-05 in 250670 control chromosomes, predominantly at a frequency of 0.00068 within the African or African-American subpopulation in the gnomAD database. The observed variant frequency within African or African-American control individuals in the gnomAD database is approximately 9.5-fold of the estimated maximal expected allele frequency for a pathogenic variant in APC causing Familial Adenomatous Polyposis phenotype (7.1e-05), strongly suggesting that the variant is a benign polymorphism found primarily in populations of African or African-American origin. c.7625A>G has been reported in the literature as a VUS in settings of multigene panel testing in individuals affected with colorectal cancer or breast cancer (Yurgelun_2017, de Oliveira_2022) and as probably benign an individual affected with ALL (Zhang_2015). These reports do not provide unequivocal conclusions about association of the variant with Familial Adenomatous Polyposis. To our knowledge, no experimental evidence demonstrating an impact on protein function has been reported. The following publications have been ascertained in the context of this evaluation (PMID: 28135145, 26580448, 35534704). ClinVar contains an entry for this variant (Variation ID: 135719). Based on the evidence outlined above, the variant was classified as likely benign.

All of Us Research Program, National Institutes of Health
Classification: Likely benign for Classic or attenuated familial adenomatous polyposis. Last evaluated: 2024-09-23. Review status: criteria provided, single submitter. Criteria: ACMG Guidelines, 2015. Collection method: clinical testing. Allele origin: germline. Inheritance: Autosomal dominant inheritance. Observed: 24 variant alleles, 24 heterozygotes.
Comment: This study involves interpretation of variants in research participants for the purpose of population health screening. Participant phenotype was not available at the time of variant classification. Additional details can be found in publication PMID: 35346344, PMCID: PMC8962531

Color Diagnostics, LLC DBA Color Health
Classification: Likely benign for Hereditary cancer-predisposing syndrome. Last evaluated: 2024-09-19. Review status: criteria provided, single submitter. Criteria: ACMG Guidelines, 2015. Collection method: clinical testing. Allele origin: germline.

Quest Diagnostics Nichols Institute San Juan Capistrano
Classification: Likely benign. Last evaluated: 2024-07-02. Review status: criteria provided, single submitter. Criteria: Quest Diagnostics criteria. Collection method: clinical testing. Allele origin: unknown.

Myriad Genetics, Inc.
Classification: Likely benign for Familial adenomatous polyposis 1. Last evaluated: 2023-02-21. Review status: criteria provided, single submitter. Criteria: Myriad Autosomal Dominant, Autosomal Recessive and X-Linked Classification Criteria (2023). Collection method: clinical testing. Allele origin: unknown.
Comment: This variant is considered likely benign. This variant has been observed at a population frequency that is significantly greater than expected given the associated disease prevalence and penetrance.

Sema4
Classification: Uncertain significance for Hereditary cancer-predisposing syndrome. Last evaluated: 2022-03-08. Review status: criteria provided, single submitter. Criteria: Sema4 Curation Guidelines. Collection method: curation. Allele origin: germline.
Comment: The APC c.7625A>G (p.N2542S) variant has been reported in heterozygosity in at least two individuals with colorectal cancer (PMID: 28135145, 28944238). This variant was observed in 14/24960 chromosomes in the African population, with no homozygotes, according to the Genome Aggregation Database (PMID: 32461654) and has been reported in ClinVar (Variation ID: 135719). Computational analyses and evolutionary conservation data do not provide strong support for or against an impact to the protein; however these predictions have not been confirmed by published functional studies. There is no indication that this variant causes disease, but the evidence is insufficient currently to prove that conclusively. Based on the current evidence available, this variant is interpreted as a variant of uncertain significance.

GeneDx
Classification: Likely benign. Last evaluated: 2021-01-13. Review status: criteria provided, single submitter. Criteria: GeneDx Variant Classification Process June 2021. Collection method: clinical testing. Allele origin: germline. Affected: yes.
Comment: In silico analysis supports that this missense variant does not alter protein structure/function; Observed in individuals with colorectal cancer and leukemia (Zhang 2015, Yurgelun 2017); This variant is associated with the following publications: (PMID: 25471132, 26580448, 28135145)

Ambry Genetics
Classification: Likely benign for Hereditary cancer-predisposing syndrome. Last evaluated: 2020-05-29. Review status: criteria provided, single submitter. Criteria: Ambry Variant Classification Scheme 2023. Collection method: clinical testing. Allele origin: germline.

Mendelics
Classification: Uncertain significance for Familial adenomatous polyposis 1. Last evaluated: 2019-05-28. Review status: criteria provided, single submitter. Criteria: Mendelics Assertion Criteria 2017. Collection method: clinical testing. Allele origin: unknown.

Counsyl
Classification: Uncertain significance for Familial adenomatous polyposis 1. Last evaluated: 2016-03-10. Review status: no assertion criteria provided. Collection method: clinical testing. Allele origin: unknown. Not counted in ClinVar's aggregate classification.

Literature cited by the submitters: PubMed 28135145 (cited by 4 submitters); PubMed 26580448 (cited by 4 submitters); PubMed 35534704 (cited by Women's Health and Genetics/Laboratory Corporation of America, LabCorp and Quest Diagnostics Nichols Institute San Juan Capistrano); PubMed 28944238 (cited by Quest Diagnostics Nichols Institute San Juan Capistrano and Sema4).